The following is an entry in ClinVar:

ClinVar aggregate classification (germline): Uncertain significance. Review status: criteria provided, multiple submitters, no conflicts (2 of 4 stars). 2 submissions from 2 submitters: Uncertain significance (2). Last evaluated 2024-10-20.

Conditions:
Hereditary cancer-predisposing syndrome. Also called: Hereditary Cancer Syndrome; Tumor predisposition; Hereditary neoplastic syndrome; Neoplastic Syndromes, Hereditary. Identifiers: Orphanet 140162, MedGen C0027672, MeSH D009386, MONDO:0015356.
Multiple endocrine neoplasia, type 2 (MEN2). Identifiers: Orphanet 653, MedGen C4048306, MONDO:0019003. Disease mechanism: gain of function.

Allele frequency attached by ClinVar (database versions not stated): gnomAD 0.00001; TOPMed 0.00001.
gnomAD v4.1: 1 of 1,606,386 alleles (0.000062%); highest among the groups gnomAD compares: African/African-American, 0.0013%; no homozygotes.

Submissions (2):

Ambry Genetics
Classification: Uncertain significance for Hereditary cancer-predisposing syndrome. Last evaluated: 2024-10-20. Review status: criteria provided, single submitter. Criteria: Ambry Variant Classification Scheme 2023. Collection method: clinical testing. Allele origin: germline.
Comment: The p.P628L variant (also known as c.1883C>T), located in coding exon 11 of the RET gene, results from a C to T substitution at nucleotide position 1883. The proline at codon 628 is replaced by leucine, an amino acid with similar properties. This amino acid position is conserved. In addition, the in silico prediction for this alteration is inconclusive. Based on the available evidence, the clinical significance of this variant remains unclear.

Labcorp Genetics (formerly Invitae), Labcorp
Classification: Uncertain significance for Multiple endocrine neoplasia, type 2. Last evaluated: 2024-04-25. Review status: criteria provided, single submitter. Criteria: Invitae Variant Classification Sherloc (09022015). Collection method: clinical testing. Allele origin: germline.
Comment: This sequence change replaces proline, which is neutral and non-polar, with leucine, which is neutral and non-polar, at codon 628 of the RET protein (p.Pro628Leu). This variant is not present in population databases (gnomAD no frequency). This variant has not been reported in the literature in individuals affected with RET-related conditions. ClinVar contains an entry for this variant (Variation ID: 2076484). Algorithms developed to predict the effect of missense changes on protein structure and function output the following: SIFT: "Not Available"; PolyPhen-2: "Benign"; Align-GVGD: "Not Available". The leucine amino acid residue is found in multiple mammalian species, which suggests that this missense change does not adversely affect protein function. In summary, the available evidence is currently insufficient to determine the role of this variant in disease. Therefore, it has been classified as a Variant of Uncertain Significance.

NM_020975.6(RET):c.1883C>T (p.Pro628Leu)

Gene: RET (ret proto-oncogene; plus strand). Cytogenetic location: 10q11.21.
Variant type: single nucleotide variant.
Coding change: c.1883C>T on transcript NM_020975.6 (MANE Select); coding-DNA position 1883, C replaced by T.
Protein change: p.Pro628Leu; replaces proline 628 with leucine.
Molecular consequence: missense variant.
Genome position (GRCh38, 1-based): chr10:43,114,483, C>T. VCF-style: chr10-43114483-C-T. GRCh37 (hg19) VCF-style: chr10-43609931-C-T.
Other names: c.1883C>T, p.Pro628Leu (NM_000323.2, NM_001406743.1, NM_001406744.1 and 4 more transcripts); c.1121C>T, p.Pro374Leu (NM_001355216.2); c.1754C>T, p.Pro585Leu (NM_001406761.1, NM_001406762.1, NM_001406764.1); c.1595C>T, p.Pro532Leu (NM_001406766.1, NM_001406767.1, NM_001406770.1); c.1487C>T, p.Pro496Leu (NM_001406769.1, NM_001406772.1); c.1445C>T, p.Pro482Leu (NM_001406771.1, NM_001406773.1); c.1358C>T, p.Pro453Leu (NM_001406774.1); c.1157C>T, p.Pro386Leu (NM_001406775.1, NM_001406776.1, NM_001406777.1 and 1 more transcripts); and 7 more; short protein forms P193L, P298L, P453L, P585L, P286L, P374L, P532L, P289L.
Identifiers: ClinVar variation 2076484 (VCV002076484.4), dbSNP rs905507912, ClinGen allele CA206262797.